The following is an entry in ClinVar:

ClinVar aggregate classification (germline): Benign/Likely benign. Review status: criteria provided, multiple submitters, no conflicts (2 of 4 stars). 3 submissions from 3 submitters: Benign (2); Likely benign (1). Last evaluated 2026-01-06.

Conditions:
Brugada syndrome. Also called: Sudden unexpected nocturnal death syndrome; Sudden Unexplained Death Syndrome; Sudden Unexplained Nocturnal Death Syndrome (SUNDS); Sudden unexplained nocturnal death syndrome. Identifiers: Orphanet 130, MedGen C1142166, MONDO:0015263.

Allele frequency attached by ClinVar (database versions not stated): gnomAD 0.00001 and 0.00002; gnomAD exomes 0.00009 and 0.00044; 1000 Genomes Project 30x 0.00016; TOPMed 0.00016; 1000 Genomes Project 0.00020; ExAC 0.00038.
gnomAD v4.1: 124 of 1,564,790 alleles (0.0079%); highest among the groups gnomAD compares: Admixed American, 0.21%; 2 homozygotes.

Submissions (3):

Labcorp Genetics (formerly Invitae), Labcorp
Classification: Benign for Brugada syndrome. Last evaluated: 2026-01-06. Review status: criteria provided, single submitter. Criteria: Invitae Variant Classification Sherloc (09022015). Collection method: clinical testing. Allele origin: germline.

Women's Health and Genetics/Laboratory Corporation of America, LabCorp
Classification: Benign. Last evaluated: 2024-11-26. Review status: criteria provided, single submitter. Criteria: LabCorp Variant Classification Summary - May 2015. Collection method: clinical testing. Allele origin: germline.

GeneDx
Classification: Likely benign. Last evaluated: 2018-03-26. Review status: criteria provided, single submitter. Criteria: GeneDx Variant Classification (06012015). Collection method: clinical testing. Allele origin: germline. Affected: yes.
Comment: This variant is considered likely benign or benign based on one or more of the following criteria: it is a conservative change, it occurs at a poorly conserved position in the protein, it is predicted to be benign by multiple in silico algorithms, and/or has population frequency not consistent with disease.

NM_015141.4(GPD1L):c.852+20C>T

Gene: GPD1L (glycerol-3-phosphate dehydrogenase 1 like; plus strand). Cytogenetic location: 3p22.3.
Variant type: single nucleotide variant.
Coding change: c.852+20C>T on transcript NM_015141.4 (MANE Select); 20 bases into the intron after coding-DNA position 852, C replaced by T.
Molecular consequence: intron variant.
Genome position (GRCh38, 1-based): chr3:32,159,129, C>T. VCF-style: chr3-32159129-C-T. GRCh37 (hg19) VCF-style: chr3-32200621-C-T.
Identifiers: ClinVar variation 668883 (VCV000668883.11), dbSNP rs189819292, ClinGen allele CA2296760.